The following is an entry in ClinVar:

NM_000492.4(CFTR):c.3536_3539del (p.Thr1179fs)

Genes: CFTR (CF transmembrane conductance regulator; plus strand), CFTR-AS2 (CFTR antisense RNA 2; minus strand). Cytogenetic location: 7q31.2.
Variant type: Deletion.
Coding change: c.3536_3539del on transcript NM_000492.4 (MANE Select); coding-DNA positions 3536 to 3539, 4 bases deleted (CCAA; older notation c.3536_3539delCCAA).
Protein change: p.Thr1179fs; shifts the reading frame from threonine 1179.
Molecular consequence: frameshift variant.
Genome position (GRCh38, 1-based): chr7:117,627,589-117,627,592, CCAA deleted; deleting any 4 consecutive bases within chr7:117,627,586-117,627,592 gives the same sequence; the c. name uses the placement nearest the transcript's 3' end. VCF-style (leftmost placement, unchanged base first): chr7-117627585-TCAAC-T. GRCh37 (hg19) VCF-style: chr7-117267639-TCAAC-T.
Other names: c.3536_3539delCCAA (NM_000492.3); short protein forms T1179fs.
Identifiers: ClinVar variation 370075 (VCV000370075.12), dbSNP rs121908782, ClinGen allele CA327226.

ClinVar aggregate classification (germline): Pathogenic. Review status: criteria provided, single submitter (1 of 4 stars). 3 submissions from 3 submitters: Pathogenic (1). 2 of the submissions do not count toward it. Last evaluated 2022-09-15.

Conditions:
CFTR-related disorder (CFTR-RD). Also called: CFTR-related condition; CFTR-related disorders. Identifiers: MedGen C5924204, MONDO:7770004.
Cystic fibrosis (CF). Also called: MUCOVISCIDOSIS. Identifiers: Orphanet 586, MedGen C0010674, MONDO:0009061, OMIM 219700. Disease mechanism: loss of function.

Submissions (3):

Labcorp Genetics (formerly Invitae), Labcorp
Classification: Pathogenic for Cystic fibrosis. Last evaluated: 2022-09-15. Review status: criteria provided, single submitter. Criteria: Invitae Variant Classification Sherloc (09022015). Collection method: clinical testing. Allele origin: germline.
Comment: This sequence change creates a premature translational stop signal (p.Thr1179Asnfs*12) in the CFTR gene. It is expected to result in an absent or disrupted protein product. Loss-of-function variants in CFTR are known to be pathogenic (PMID: 1695717, 7691345, 9725922). This variant is not present in population databases (gnomAD no frequency). This premature translational stop signal has been observed in individual(s) with cystic fibrosis (PMID: 7517264). This variant is also known as 3667del4. ClinVar contains an entry for this variant (Variation ID: 370075). For these reasons, this variant has been classified as Pathogenic.

Natera, Inc.
Classification: Pathogenic for CFTR-related disorders. Last evaluated: 2017-03-17. Review status: no assertion criteria provided. Collection method: clinical testing. Allele origin: germline. Not counted in ClinVar's aggregate classification.

Counsyl
Classification: Likely pathogenic for Cystic fibrosis. Last evaluated: 2015-11-26. Review status: no assertion criteria provided. Collection method: clinical testing. Allele origin: unknown. Not counted in ClinVar's aggregate classification.

Literature cited by the submitters: PubMed 1695717 (cited by Labcorp Genetics (formerly Invitae), Labcorp); PubMed 7691345 (cited by Labcorp Genetics (formerly Invitae), Labcorp); PubMed 9725922 (cited by Labcorp Genetics (formerly Invitae), Labcorp); PubMed 7517264 (cited by Labcorp Genetics (formerly Invitae), Labcorp); PubMed 17331079 (cited by Counsyl).